The following is an entry in ClinVar:

NM_199355.4(ADAMTS18):c.2533-1G>A

Gene: ADAMTS18 (ADAM metallopeptidase with thrombospondin type 1 motif 18; minus strand). Cytogenetic location: 16q23.1.
Variant type: single nucleotide variant.
Coding change: c.2533-1G>A on transcript NM_199355.4 (MANE Select); the canonical splice acceptor site of the intron before coding-DNA position 2533, G replaced by A.
Molecular consequence: splice acceptor variant.
Genome position (GRCh38, 1-based): chr16:77,300,405, C>T on the plus strand (G>A on the coding strand, the complement: ADAMTS18 is on the minus strand). VCF-style: chr16-77300405-C-T. GRCh37 (hg19) VCF-style: chr16-77334302-C-T.
Other names: c.2017-1G>A (NM_001326358.2).
Identifiers: ClinVar variation 2127488 (VCV002127488.4), dbSNP rs757960389, ClinGen allele CA8180858.

ClinVar aggregate classification (germline): Likely pathogenic (1 of 4 stars; one submission).

Allele frequency attached by ClinVar (database versions not stated): gnomAD exomes below 0.00001; ExAC 0.00001.
gnomAD v4.1: 2 of 1,614,032 alleles (0.00012%); highest among the groups gnomAD compares: Admixed American, 0.0033%; no homozygotes.

Submission:

Labcorp Genetics (formerly Invitae), Labcorp
Classification: Likely pathogenic. Last evaluated: 2022-08-16. Review status: criteria provided, single submitter. Criteria: Invitae Variant Classification Sherloc (09022015). Collection method: clinical testing. Allele origin: germline.
Comment: In summary, the currently available evidence indicates that the variant is pathogenic, but additional data are needed to prove that conclusively. Therefore, this variant has been classified as Likely Pathogenic. This sequence change affects an acceptor splice site in intron 16 of the ADAMTS18 gene. It is expected to disrupt RNA splicing. Variants that disrupt the donor or acceptor splice site typically lead to a loss of protein function (PMID: 16199547), and loss-of-function variants in ADAMTS18 are known to be pathogenic (PMID: 23818446, 24874986). This variant is present in population databases (rs757960389, gnomAD 0.006%). This variant has not been reported in the literature in individuals affected with ADAMTS18-related conditions. Algorithms developed to predict the effect of sequence changes on RNA splicing suggest that this variant may disrupt the consensus splice site.

Literature cited by the submitters: PubMed 16199547; PubMed 23818446; PubMed 24874986.